The following is an entry in ClinVar:

NM_032242.4(PLXNA1):c.1673C>T (p.Ala558Val)

Gene: PLXNA1 (plexin A1; plus strand). Cytogenetic location: 3q21.3.
Variant type: single nucleotide variant.
Coding change: c.1673C>T on transcript NM_032242.4 (MANE Select); coding-DNA position 1673, C replaced by T.
Protein change: p.Ala558Val; replaces alanine 558 with valine.
Molecular consequence: missense variant.
Genome position (GRCh38, 1-based): chr3:127,004,938, C>T. VCF-style: chr3-127004938-C-T. GRCh37 (hg19) VCF-style: chr3-126723781-C-T.
Other names: short protein forms A558V.
Identifiers: ClinVar variation 4987067 (VCV004987067.1).

ClinVar aggregate classification (germline): Uncertain significance (1 of 4 stars; one submission).

Conditions:
PLXNA1-related disorder. Also called: PLXNA1-related condition.

Submission:

PreventionGenetics, part of Exact Sciences
Classification: Uncertain significance for PLXNA1-related condition. Last evaluated: 2025-02-04. Review status: criteria provided, single submitter. Criteria: ACMG Guidelines, 2015. Collection method: clinical testing. Allele origin: germline.
Comment: The PLXNA1 c.1673C>T variant is predicted to result in the amino acid substitution p.Ala558Val. To our knowledge, this variant has not been reported in the literature. This variant is reported in 0.012% of alleles in individuals of Latino descent in gnomAD. At this time, the clinical significance of this variant is uncertain due to the absence of conclusive functional and genetic evidence.